The following is an entry in ClinVar:

NM_004104.5(FASN):c.3314G>A (p.Arg1105Gln)

Gene: FASN (fatty acid synthase; minus strand). Cytogenetic location: 17q25.3.
Variant type: single nucleotide variant.
Coding change: c.3314G>A on transcript NM_004104.5 (MANE Select); coding-DNA position 3314, G replaced by A.
Protein change: p.Arg1105Gln; replaces arginine 1105 with glutamine.
Molecular consequence: missense variant.
Genome position (GRCh38, 1-based): chr17:82,087,163, C>T on the plus strand (G>A on the coding strand, the complement: FASN is on the minus strand). VCF-style: chr17-82087163-C-T. GRCh37 (hg19) VCF-style: chr17-80045039-C-T.
Other names: short protein forms R1105Q.
Identifiers: ClinVar variation 954867 (VCV000954867.9), dbSNP rs774227498, ClinGen allele CA8852426.

ClinVar aggregate classification (germline): Uncertain significance (1 of 4 stars; one submission).

Conditions:
Epileptic encephalopathy. Identifiers: MedGen C0543888, HP:0200134.

Allele frequency attached by ClinVar (database versions not stated): ExAC 0.00002; gnomAD exomes 0.00002; gnomAD 0.00003; TOPMed 0.00003.
gnomAD v4.1: 36 of 1,609,806 alleles (0.0022%); highest among the groups gnomAD compares: East Asian, 0.0045%; no homozygotes.

Submission:

Labcorp Genetics (formerly Invitae), Labcorp
Classification: Uncertain significance for Epileptic encephalopathy. Last evaluated: 2026-01-24. Review status: criteria provided, single submitter. Criteria: Invitae Variant Classification Sherloc (09022015). Collection method: clinical testing. Allele origin: germline.
Comment: This sequence change replaces arginine, which is basic and polar, with glutamine, which is neutral and polar, at codon 1105 of the FASN protein (p.Arg1105Gln). This variant is present in population databases (rs774227498, gnomAD 0.007%). This variant has not been reported in the literature in individuals affected with FASN-related conditions. ClinVar contains an entry for this variant (Variation ID: 954867). An algorithm developed to predict the effect of missense changes on protein structure and function (PolyPhen-2) suggests that this variant is likely to be disruptive. In summary, the available evidence is currently insufficient to determine the role of this variant in disease. Therefore, it has been classified as a Variant of Uncertain Significance.